The following is an entry in ClinVar:

ClinVar aggregate classification (germline): Uncertain significance (1 of 4 stars; one submission).

Conditions:
Neuronal ceroid lipofuscinosis. Also called: Neuronal Ceroid Lipofuscinoses. Identifiers: Orphanet 216, Orphanet 79263, MedGen C0027877, MONDO:0016295. Disease mechanism: loss of function.

Submission:

Labcorp Genetics (formerly Invitae), Labcorp
Classification: Uncertain significance for Neuronal ceroid lipofuscinosis. Last evaluated: 2022-06-22. Review status: criteria provided, single submitter. Criteria: Invitae Variant Classification Sherloc (09022015). Collection method: clinical testing. Allele origin: germline.
Comment: This variant is not present in population databases (gnomAD no frequency). This variant, c.570_572del, is a complex sequence change that results in the deletion of 2 and insertion of 1 amino acid(s) in the CLN6 protein (p.Phe190_Met191delinsLeu). This variant has not been reported in the literature in individuals affected with CLN6-related conditions. In summary, the available evidence is currently insufficient to determine the role of this variant in disease. Therefore, it has been classified as a Variant of Uncertain Significance. Experimental studies and prediction algorithms are not available or were not evaluated, and the functional significance of this variant is currently unknown.

NM_017882.3(CLN6):c.570_572del (p.Phe190_Met191delinsLeu)

Gene: CLN6 (CLN6 transmembrane ER protein; minus strand). Cytogenetic location: 15q23.
Variant type: Deletion.
Coding change: c.570_572del on transcript NM_017882.3 (MANE Select); coding-DNA positions 570 to 572, 3 bases deleted (CAT; older notation c.570_572delCAT).
Protein change: p.Phe190_Met191delinsLeu.
Molecular consequence: inframe indel.
Genome position (GRCh38, 1-based): chr15:68,209,730-68,209,732, ATG deleted on the plus strand (CAT on the coding strand, the reverse complement: CLN6 is on the minus strand); deleting any 3 consecutive bases within chr15:68,209,730-68,209,733 gives the same sequence; the c. name uses the placement nearest the transcript's 3' end. VCF-style (leftmost placement, unchanged base first): chr15-68209729-CATG-C. GRCh37 (hg19) VCF-style: chr15-68502067-CATG-C.
Other names: c.665_667delTCA, p.Phe222_Met223delinsLeu (NM_001411068.1).
Identifiers: ClinVar variation 2008506 (VCV002008506.4), dbSNP rs2505404339, ClinGen allele CA2580089898.